The following is an entry in ClinVar:

NM_001376.5(DYNC1H1):c.91C>T (p.Gln31Ter)

Gene: DYNC1H1 (dynein cytoplasmic 1 heavy chain 1; plus strand). Cytogenetic location: 14q32.31.
Variant type: single nucleotide variant.
Coding change: c.91C>T on transcript NM_001376.5 (MANE Select); coding-DNA position 91, C replaced by T.
Protein change: p.Gln31Ter; replaces glutamine 31 with a stop codon.
Molecular consequence: nonsense.
Genome position (GRCh38, 1-based): chr14:101,964,782, C>T. VCF-style: chr14-101964782-C-T. GRCh37 (hg19) VCF-style: chr14-102431119-C-T.
Other names: short protein forms Q31*.
Identifiers: ClinVar variation 2813537 (VCV002813537.3), dbSNP rs2503643902, ClinGen allele CA391003227.

ClinVar aggregate classification (germline): Uncertain significance (1 of 4 stars; one submission).

Conditions:
Charcot-Marie-Tooth disease axonal type 2O. Also called: CHARCOT-MARIE-TOOTH NEUROPATHY, AXONAL, TYPE 2O; CHARCOT-MARIE-TOOTH DISEASE, AXONAL, AUTOSOMAL DOMINANT, TYPE 2O; Charcot-Marie-Tooth Neuropathy Type 2O; Charcot-Marie-Tooth disease, axonal, type 20. Identifiers: Orphanet 284232, MedGen C3280220, MONDO:0013644, OMIM 614228.

Submission:

Labcorp Genetics (formerly Invitae), Labcorp
Classification: Uncertain significance for Charcot-Marie-Tooth disease axonal type 2O. Last evaluated: 2022-11-10. Review status: criteria provided, single submitter. Criteria: Invitae Variant Classification Sherloc (09022015). Collection method: clinical testing. Allele origin: germline.
Comment: This variant has not been reported in the literature in individuals affected with DYNC1H1-related conditions. In summary, the available evidence is currently insufficient to determine the role of this variant in disease. Therefore, it has been classified as a Variant of Uncertain Significance. This variant is not present in population databases (gnomAD no frequency). This sequence change creates a premature translational stop signal (p.Gln31*) in the DYNC1H1 gene. It is expected to result in an absent or disrupted protein product. However, the current clinical and genetic evidence is not sufficient to establish whether loss-of-function variants in DYNC1H1 cause disease.